The following is an entry in ClinVar:

NM_001458.5(FLNC):c.7363T>C (p.Tyr2455His)

Genes: FLNC (filamin C; plus strand), FLNC-AS1 (FLNC antisense RNA 1; minus strand). Cytogenetic location: 7q32.1.
Variant type: single nucleotide variant.
Coding change: c.7363T>C on transcript NM_001458.5 (MANE Select); coding-DNA position 7363, T replaced by C.
Protein change: p.Tyr2455His; replaces tyrosine 2455 with histidine.
Molecular consequence: missense variant.
Genome position (GRCh38, 1-based): chr7:128,856,629, T>C. VCF-style: chr7-128856629-T-C. GRCh37 (hg19) VCF-style: chr7-128496683-T-C.
Other names: c.7264T>C, p.Tyr2422His (NM_001127487.2); short protein forms Y2422H, Y2455H.
Identifiers: ClinVar variation 1380136 (VCV001380136.9), dbSNP rs371262238, ClinGen allele CA166194804.

ClinVar aggregate classification (germline): Conflicting classifications of pathogenicity. Review status: criteria provided, conflicting classifications (1 of 4 stars). 2 submissions from 2 submitters: Uncertain significance (1); Likely benign (1). Last evaluated 2025-03-25.

Conditions:
Cardiovascular phenotype. Identifiers: MedGen CN230736.
Myofibrillar myopathy 5. Also called: Filaminopathy (type); FILAMINOPATHY, AUTOSOMAL DOMINANT. Identifiers: Orphanet 171445, MedGen C1836050, MONDO:0012289, OMIM 609524.
Distal myopathy with posterior leg and anterior hand involvement. Also called: WILLIAMS DISTAL MYOPATHY. Identifiers: Orphanet 63273, MedGen C3279722, MONDO:0013550, OMIM 614065.
Hypertrophic cardiomyopathy 26. Also called: Cardiomyopathy, familial hypertrophic, 26. Identifiers: Orphanet 75249, MedGen C4310749, MONDO:0014883, OMIM 617047.

Allele frequency attached by ClinVar (database versions not stated): gnomAD exomes 0.00003; ESP Exome Variant Server 0.00008; gnomAD 0.00008 and 0.00009; TOPMed 0.00008.
gnomAD v4.1: 22 of 1,612,782 alleles (0.0014%); highest among the groups gnomAD compares: Admixed American, 0.033%; no homozygotes.

Submissions (2):

Ambry Genetics
Classification: Uncertain significance for Cardiovascular phenotype. Last evaluated: 2025-03-25. Review status: criteria provided, single submitter. Criteria: Ambry Variant Classification Scheme 2023. Collection method: clinical testing. Allele origin: germline.
Comment: The p.Y2455H variant (also known as c.7363T>C), located in coding exon 44 of the FLNC gene, results from a T to C substitution at nucleotide position 7363. The tyrosine at codon 2455 is replaced by histidine, an amino acid with similar properties. This amino acid position is conserved. In addition, this alteration is predicted to be tolerated by in silico analysis. Since supporting evidence is limited at this time, the clinical significance of this alteration remains unclear.

Labcorp Genetics (formerly Invitae), Labcorp
Classification: Likely benign for Distal myopathy with posterior leg and anterior hand involvement; Myofibrillar myopathy 5; Hypertrophic cardiomyopathy 26. Last evaluated: 2024-01-30. Review status: criteria provided, single submitter. Criteria: Invitae Variant Classification Sherloc (09022015). Collection method: clinical testing. Allele origin: germline.